The following is an entry in ClinVar:

NM_000540.3(RYR1):c.12625-20T>C

Gene: RYR1 (ryanodine receptor 1; plus strand). Cytogenetic location: 19q13.2.
Variant type: single nucleotide variant.
Coding change: c.12625-20T>C on transcript NM_000540.3 (MANE Select); 20 bases into the intron before coding-DNA position 12625, T replaced by C.
Molecular consequence: intron variant.
Genome position (GRCh38, 1-based): chr19:38,564,939, T>C. VCF-style: chr19-38564939-T-C. GRCh37 (hg19) VCF-style: chr19-39055579-T-C.
Other names: c.12610-20T>C (NM_001042723.2).
Identifiers: ClinVar variation 514959 (VCV000514959.5), dbSNP rs1555799588, ClinGen allele CA658799215.

ClinVar aggregate classification (germline): Likely benign. Review status: criteria provided, multiple submitters, no conflicts (2 of 4 stars). 2 submissions from 2 submitters: Likely benign (2). Last evaluated 2023-05-08.

Conditions:
RYR1-related disorder. Also called: RYR1-related condition; RYR1-related disorders. Identifiers: MedGen CN239331.

Allele frequency attached by ClinVar (database versions not stated): gnomAD exomes below 0.00001.
gnomAD v4.1: 1 of 1,563,578 alleles (0.000064%); highest among the groups gnomAD compares: Non-Finnish European, 0.000087%; no homozygotes.

Submissions (2):

Labcorp Genetics (formerly Invitae), Labcorp
Classification: Likely benign for RYR1-related disorder. Last evaluated: 2023-05-08. Review status: criteria provided, single submitter. Criteria: Invitae Variant Classification Sherloc (09022015). Collection method: clinical testing. Allele origin: germline.

GeneDx
Classification: Likely benign. Last evaluated: 2018-01-29. Review status: criteria provided, single submitter. Criteria: GeneDx Variant Classification (06012015). Collection method: clinical testing. Allele origin: germline. Affected: yes.
Comment: This variant is considered likely benign or benign based on one or more of the following criteria: it is a conservative change, it occurs at a poorly conserved position in the protein, it is predicted to be benign by multiple in silico algorithms, and/or has population frequency not consistent with disease.